The following is an entry in ClinVar:

NM_001374353.1(GLI2):c.2928G>C (p.Val976=)

Gene: GLI2 (GLI family zinc finger 2; plus strand). Cytogenetic location: 2q14.2.
Variant type: single nucleotide variant.
Coding change: c.2928G>C on transcript NM_001374353.1 (MANE Select); coding-DNA position 2928, G replaced by C.
Protein change: p.Val976=; no amino-acid change (valine 976 retained).
Molecular consequence: synonymous variant.
Genome position (GRCh38, 1-based): chr2:120,988,893, G>C. VCF-style: chr2-120988893-G-C. GRCh37 (hg19) VCF-style: chr2-121746469-G-C.
Other names: c.2979G>C, p.Val993= (NM_001371271.1, NM_005270.5); c.2553G>C, p.Val851= (NM_001374354.1).
Identifiers: ClinVar variation 3026389 (VCV003026389.22), dbSNP rs2467773245, ClinGen allele CA428749603.

ClinVar aggregate classification (germline): Likely benign (1 of 4 stars; one submission).

Allele frequency attached by ClinVar (database versions not stated): gnomAD exomes below 0.00001.
gnomAD v4.1: 1 of 1,506,896 alleles (0.000066%); highest among the groups gnomAD compares: Non-Finnish European, 0.000088%; no homozygotes.

Submission:

CeGaT Center for Human Genetics Tuebingen
Classification: Likely benign. Last evaluated: 2023-12-01. Review status: criteria provided, single submitter. Criteria: CeGaT Center For Human Genetics Tuebingen Variant Classification Criteria Version 2. Collection method: clinical testing. Allele origin: germline. Affected: yes. Observed: 1 variant allele.
Comment: GLI2: PM2:Supporting, BP4, BP7